The following is an entry in ClinVar:

ClinVar aggregate classification (germline): Conflicting classifications of pathogenicity. Review status: criteria provided, conflicting classifications (1 of 4 stars). 2 submissions from 2 submitters: Uncertain significance (1); Likely benign (1). Last evaluated 2024-03-15.

Allele frequency attached by ClinVar (database versions not stated): gnomAD exomes 0.00002; TOPMed 0.00002; gnomAD 0.00001; ExAC 0.00005.
gnomAD v4.1: 19 of 1,201,089 alleles (0.0016%); highest among the groups gnomAD compares: Non-Finnish European, 0.002%; no homozygotes.

Submissions (2):

Ambry Genetics
Classification: Uncertain significance. Last evaluated: 2024-03-15. Review status: criteria provided, single submitter. Criteria: Ambry Variant Classification Scheme 2023. Collection method: clinical testing. Allele origin: germline.

CeGaT Center for Human Genetics Tuebingen
Classification: Likely benign. Last evaluated: 2023-03-01. Review status: criteria provided, single submitter. Criteria: CeGaT Center For Human Genetics Tuebingen Variant Classification Criteria Version 2. Collection method: clinical testing. Allele origin: germline. Affected: yes. Observed: 1 variant allele.
Comment: CYLC1: BP4, BS2

NM_021118.3(CYLC1):c.124C>A (p.Gln42Lys)

Gene: CYLC1 (cylicin 1; plus strand). Cytogenetic location: Xq21.1.
Variant type: single nucleotide variant.
Coding change: c.124C>A on transcript NM_021118.3 (MANE Select); coding-DNA position 124, C replaced by A.
Protein change: p.Gln42Lys; replaces glutamine 42 with lysine.
Molecular consequence: missense variant.
Genome position (GRCh38, 1-based): chrX:83,871,517, C>A. VCF-style: chrX-83871517-C-A. GRCh37 (hg19) VCF-style: chrX-83126525-C-A.
Other names: c.121C>A, p.Gln41Lys (NM_001271680.2); c.124C>A (NM_021118.1); short protein forms Q41K, Q42K.
Identifiers: ClinVar variation 2660992 (VCV002660992.25), dbSNP rs749731888, ClinGen allele CA10462880.